The following is an entry in ClinVar:

ClinVar aggregate classification (germline): Uncertain significance. Review status: criteria provided, multiple submitters, no conflicts (2 of 4 stars). 2 submissions from 2 submitters: Uncertain significance (2). Last evaluated 2025-05-27.

Conditions:
Cardiovascular phenotype. Identifiers: MedGen CN230736.
Walker-Warburg congenital muscular dystrophy. Also called: Muscular dystrophy-dystroglycanopathy, type A; Walker-Warburg syndrome. Identifiers: Orphanet 899, MedGen C0265221, MONDO:0000171.

Allele frequency attached by ClinVar (database versions not stated): TOPMed below 0.00001; gnomAD exomes below 0.00001.
gnomAD v4.1: 2 of 1,612,508 alleles (0.00012%); highest among the groups gnomAD compares: East Asian, 0.0045%; no homozygotes.

Submissions (2):

Ambry Genetics
Classification: Uncertain significance for Cardiovascular phenotype. Last evaluated: 2025-05-27. Review status: criteria provided, single submitter. Criteria: Ambry Variant Classification Scheme 2023. Collection method: clinical testing. Allele origin: germline.
Comment: The p.A130T variant (also known as c.388G>A), located in coding exon 4 of the FKTN gene, results from a G to A substitution at nucleotide position 388. The alanine at codon 130 is replaced by threonine, an amino acid with similar properties. This amino acid position is conserved. In addition, the in silico prediction for this alteration is inconclusive. Based on the available evidence, the clinical significance of this variant remains unclear.

Labcorp Genetics (formerly Invitae), Labcorp
Classification: Uncertain significance for Walker-Warburg congenital muscular dystrophy. Last evaluated: 2022-01-02. Review status: criteria provided, single submitter. Criteria: Invitae Variant Classification Sherloc (09022015). Collection method: clinical testing. Allele origin: germline.
Comment: This sequence change replaces alanine, which is neutral and non-polar, with threonine, which is neutral and polar, at codon 130 of the FKTN protein (p.Ala130Thr). This variant is present in population databases (no rsID available, gnomAD 0.006%). This variant has not been reported in the literature in individuals affected with FKTN-related conditions. Algorithms developed to predict the effect of missense changes on protein structure and function are either unavailable or do not agree on the potential impact of this missense change (SIFT: "Tolerated"; PolyPhen-2: "Possibly Damaging"; Align-GVGD: "Class C0"). In summary, the available evidence is currently insufficient to determine the role of this variant in disease. Therefore, it has been classified as a Variant of Uncertain Significance.

NM_001079802.2(FKTN):c.388G>A (p.Ala130Thr)

Gene: FKTN (fukutin; plus strand). Cytogenetic location: 9q31.2.
Variant type: single nucleotide variant.
Coding change: c.388G>A on transcript NM_001079802.2 (MANE Select); coding-DNA position 388, G replaced by A.
Protein change: p.Ala130Thr; replaces alanine 130 with threonine.
Molecular consequence: missense variant. On other transcripts: 5 prime UTR variant (4), non-coding transcript variant (2).
Genome position (GRCh38, 1-based): chr9:105,604,233, G>A. VCF-style: chr9-105604233-G-A. GRCh37 (hg19) VCF-style: chr9-108366514-G-A.
Other names: c.388G>A, p.Ala130Thr (NM_001198963.2, NM_001351496.2, NM_001351498.2 and 1 more transcripts); c.319G>A, p.Ala107Thr (NM_001351497.2); c.-9G>A (NM_001351499.2, NM_001351500.2, NM_001351501.2 and 1 more transcripts); short protein forms A107T, A130T.
Identifiers: ClinVar variation 1986877 (VCV001986877.2), dbSNP rs1197160726, ClinGen allele CA374331892.